The following is an entry in ClinVar:

ClinVar aggregate classification (germline): Conflicting classifications of pathogenicity. Review status: criteria provided, conflicting classifications (1 of 4 stars). 3 submissions from 3 submitters: Uncertain significance (1); Benign (2). Last evaluated 2018-01-13.

Conditions:
Autoinflammatory syndrome. Identifiers: Orphanet 93665, MedGen C3890737, MONDO:0019751.
Familial hemophagocytic lymphohistiocytosis 3 (FHL3). Also called: UNC13D-Related Familial Hemophagocytic Lymphohistiocytosis (UNC13D-fHLH). Identifiers: Orphanet 540, MedGen C1837174, MONDO:0012146, OMIM 608898.

Allele frequency attached by ClinVar (database versions not stated): 1000 Genomes Project 30x 0.01827; TOPMed 0.02016; gnomAD exomes 0.01826; gnomAD 0.01882 and 0.01892; 1000 Genomes Project 0.01857.

Submissions (3):

Illumina Laboratory Services, Illumina
Classification: Benign for Familial hemophagocytic lymphohistiocytosis 3. Last evaluated: 2018-01-13. Review status: criteria provided, single submitter. Criteria: ICSL Variant Classification Criteria 13 December 2019. Collection method: clinical testing. Allele origin: germline.
Comment: This variant was observed in the ICSL laboratory as part of a predisposition screen in an ostensibly healthy population. It had not been previously curated by ICSL or reported in the Human Gene Mutation Database (HGMD: prior to June 1st, 2018), and was therefore a candidate for classification through an automated scoring system. Utilizing variant allele frequency, disease prevalence and penetrance estimates, and inheritance mode, an automated score was calculated to assess if this variant is too frequent to cause the disease. Based on the score and internal cut-off values, a variant classified as benign is not then subjected to further curation. The score for this variant resulted in a classification of benign for this disease.

Genome Diagnostics Laboratory, The Hospital for Sick Children
Classification: Uncertain significance for Autoinflammatory syndrome. Last evaluated: 2017-01-19. Review status: criteria provided, single submitter. Criteria: ACMG Guidelines, 2015. Collection method: clinical testing. Allele origin: germline. Affected: yes.

Breakthrough Genomics
Classification: Benign. Review status: criteria provided, single submitter. Criteria: ACMG Guidelines, 2015. Collection method: not provided. Allele origin: germline. Inheritance: Autosomal recessive inheritance. Affected: yes.

NM_199242.2(UNC13D):c.-260C>T

Gene: UNC13D (unc-13 homolog D; minus strand). Cytogenetic location: 17q25.1.
Variant type: single nucleotide variant.
Coding change: c.-260C>T on transcript NM_199242.2; 260 bases upstream of the start codon, C replaced by T.
Genome position (GRCh38, 1-based): chr17:75,844,597, G>A on the plus strand (C>T on the coding strand, the complement: UNC13D is on the minus strand). VCF-style: chr17-75844597-G-A. GRCh37 (hg19) VCF-style: chr17-73840678-G-A.
Identifiers: ClinVar variation 325285 (VCV000325285.11), dbSNP rs113482537, ClinGen allele CA10646815.
Genomic context (GRCh38, chr17:75,844,597, plus strand): 5'-CCCTACAGGACCCTCCTCTGGCTGGAGCAGAAGGTGGACCCCGTGGGCAGGCCTGGCCCC[G>A]CCCCACCCTCCTACAGAGGCCCTGGGAAGGGGACAACGCTCTCAGCAGGGGGCGGGGGGG-3'